The following is an entry in ClinVar:

ClinVar aggregate classification (germline): Likely benign (0 of 4 stars; one submission).

Conditions:
ACACA-related disorder. Also called: ACACA-related condition.

Submission:

PreventionGenetics, part of Exact Sciences
Classification: Likely benign for ACACA-related condition. Last evaluated: 2019-06-04. Review status: no assertion criteria provided. Collection method: clinical testing. Allele origin: germline.
Comment: This variant is classified as likely benign based on ACMG/AMP sequence variant interpretation guidelines (Richards et al. 2015 PMID: 25741868, with internal and published modifications).

NM_198834.3(ACACA):c.5569-10C>G

Gene: ACACA (acetyl-CoA carboxylase alpha; minus strand). Cytogenetic location: 17q12.
Variant type: single nucleotide variant.
Coding change: c.5569-10C>G on transcript NM_198834.3 (MANE Select); 10 bases into the intron before coding-DNA position 5569, C replaced by G.
Molecular consequence: intron variant.
Genome position (GRCh38, 1-based): chr17:37,149,984, G>C on the plus strand (C>G on the coding strand, the complement: ACACA is on the minus strand). VCF-style: chr17-37149984-G-C. GRCh37 (hg19) VCF-style: chr17-35506908-G-C.
Other names: c.5458-10C>G (NM_198839.3, NM_198836.3); c.5284-10C>G (NM_198837.2); c.5224-10C>G (NM_198838.2).
Identifiers: ClinVar variation 3043586 (VCV003043586.2), dbSNP rs781599443, ClinGen allele CA2740095323.